The following is an entry in ClinVar:

NM_015995.4(KLF13):c.27C>T (p.His9=)

Gene: KLF13 (KLF transcription factor 13; plus strand). Cytogenetic location: 15q13.3.
Variant type: single nucleotide variant.
Coding change: c.27C>T on transcript NM_015995.4 (MANE Select); coding-DNA position 27, C replaced by T.
Protein change: p.His9=; no amino-acid change (histidine 9 retained).
Molecular consequence: synonymous variant.
Genome position (GRCh38, 1-based): chr15:31,327,239, C>T. VCF-style: chr15-31327239-C-T. GRCh37 (hg19) VCF-style: chr15-31619442-C-T.
Other names: c.27C>T, p.His9= (NM_001302461.2).
Identifiers: ClinVar variation 715460 (VCV000715460.9), dbSNP rs77996726, ClinGen allele CA7453229.

ClinVar aggregate classification (germline): Benign/Likely benign. Review status: criteria provided, multiple submitters, no conflicts (2 of 4 stars). 3 submissions from 3 submitters: Benign (2); Likely benign (1). Last evaluated 2026-04-01.

Allele frequency attached by ClinVar (database versions not stated): TOPMed 0.00324; 1000 Genomes Project 30x 0.00453; gnomAD exomes 0.00514; gnomAD 0.00540 and 0.00550; ExAC 0.00757.
gnomAD v4.1: 7,876 of 1,377,540 alleles (0.57%); highest among the groups gnomAD compares: Non-Finnish European, 0.58%; 44 homozygotes.

Submissions (3):

CeGaT Center for Human Genetics Tuebingen
Classification: Likely benign. Last evaluated: 2026-04-01. Review status: criteria provided, single submitter. Criteria: CeGaT Center For Human Genetics Tuebingen Variant Classification Criteria Version 2. Collection method: clinical testing. Allele origin: germline. Affected: yes. Observed: 1 variant allele.
Comment: KLF13: BP4, BP7, BS2

Labcorp Genetics (formerly Invitae), Labcorp
Classification: Benign. Last evaluated: 2019-12-31. Review status: criteria provided, single submitter. Criteria: Invitae Variant Classification Sherloc (09022015). Collection method: clinical testing. Allele origin: germline.

Breakthrough Genomics
Classification: Benign. Review status: criteria provided, single submitter. Criteria: ACMG Guidelines, 2015. Collection method: not provided. Allele origin: germline. Inheritance: Unknown mechanism. Affected: yes.